The following is an entry in ClinVar:

ClinVar aggregate classification (germline): Likely benign. Review status: reviewed by expert panel (3 of 4 stars). 2 submissions from 2 submitters: Likely benign (1). 1 of the submissions does not count toward it. Last evaluated 2017-06-29.

Conditions:
Breast-ovarian cancer, familial, susceptibility to, 2 (BROVCA2). Also called: BRCA2 Hereditary Breast and Ovarian Cancer. Identifiers: Orphanet 145, MedGen C2675520, MONDO:0012933, OMIM 612555. Disease mechanism: loss of function.
Hereditary cancer-predisposing syndrome. Also called: Hereditary Cancer Syndrome; Neoplastic Syndromes, Hereditary; Tumor predisposition; Hereditary neoplastic syndrome. Identifiers: Orphanet 140162, MedGen C0027672, MeSH D009386, MONDO:0015356.

Submissions (2):

Evidence-based Network for the Interpretation of Germline Mutant Alleles (ENIGMA)
Classification: Likely benign for Breast-ovarian cancer, familial, susceptibility to, 2. Last evaluated: 2017-06-29. Review status: reviewed by expert panel. Criteria: ENIGMA BRCA1/2 Classification Criteria (2017-06-29). Collection method: curation. Allele origin: germline.
Comment: Synonymous substitution variant, with low bioinformatic likelihood to result in a splicing aberration (Splicing prior probability 0.02).

Ambry Genetics
Classification: Likely benign for Hereditary cancer-predisposing syndrome. Last evaluated: 2020-09-22. Review status: criteria provided, single submitter. Criteria: Ambry Variant Classification Scheme 2023. Collection method: clinical testing. Allele origin: germline. Not counted in ClinVar's aggregate classification.

NM_000059.4(BRCA2):c.6201C>A (p.Ser2067=)

Gene: BRCA2 (BRCA2 DNA repair associated; plus strand). Cytogenetic location: 13q13.1.
Variant type: single nucleotide variant.
Coding change: c.6201C>A on transcript NM_000059.4 (MANE Select); coding-DNA position 6201, C replaced by A.
Protein change: p.Ser2067=; no amino-acid change (serine 2067 retained).
Molecular consequence: synonymous variant.
Genome position (GRCh38, 1-based): chr13:32,340,556, C>A. VCF-style: chr13-32340556-C-A. GRCh37 (hg19) VCF-style: chr13-32914693-C-A.
Identifiers: ClinVar variation 231247 (VCV000231247.7), dbSNP rs876659049, ClinGen allele CA10579684.
Genomic context (GRCh38, chr13:32,340,556, plus strand): 5'-TAATGTGGTAAATTCATCTGCTTTCTCTGGATTTAGTACAGCAAGTGGAAAGCAAGTTTC[C>A]ATTTTAGAAAGTTCCTTACACAAAGTTAAGGGAGTGTTAGAGGAATTTGATTTAATCAGA-3'
Protein context (NP_000050.3, residues 2057-2077): GFSTASGKQV[Ser2067=]ILESSLHKVK